The following is an entry in ClinVar:

ClinVar aggregate classification (germline): Uncertain significance. Review status: criteria provided, multiple submitters, no conflicts (2 of 4 stars). 2 submissions from 2 submitters: Uncertain significance (2). Last evaluated 2023-06-13.

Conditions:
TMC1-related disorder. Also called: TMC1-related disorders; TMC1-related condition.

Allele frequency attached by ClinVar (database versions not stated): TOPMed below 0.00001; gnomAD 0.00001; gnomAD exomes 0.00001 and 0.00003.
gnomAD v4.1: 47 of 1,606,906 alleles (0.0029%); highest among the groups gnomAD compares: Non-Finnish European, 0.004%; no homozygotes.

Submissions (2):

PreventionGenetics, part of Exact Sciences
Classification: Uncertain significance for TMC1-related condition. Last evaluated: 2023-06-13. Review status: criteria provided, single submitter. Criteria: ACMG Guidelines, 2015. Collection method: clinical testing. Allele origin: germline.
Comment: The TMC1 c.543T>G variant is predicted to result in the amino acid substitution p.Phe181Leu. To our knowledge, this variant has not been reported in the literature. This variant is reported in 0.0026% of alleles in individuals of European (Non-Finnish) descent in gnomAD. At this time, the clinical significance of this variant is uncertain due to the absence of conclusive functional and genetic evidence.

Laboratory for Molecular Medicine, Mass General Brigham Personalized Medicine
Classification: Uncertain significance. Last evaluated: 2019-06-11. Review status: criteria provided, single submitter. Criteria: LMM Criteria. Collection method: clinical testing. Allele origin: germline. Observed: 6 variant alleles.
Comment: It has been identified in 0.002% (3/113664) of European chromosomes by gnomAD. Computational prediction tools and conservation analysis suggest that this variant may impact the protein, though this information is not predictive enough to determine pathogenicity. In summary, due to the conflicting segregation evidence, the clinical significance of this variant is uncertain. ACMG/AMP Criteria applied: PM2, PP3, PP1, BS4.

NM_138691.3(TMC1):c.543T>G (p.Phe181Leu)

Gene: TMC1 (transmembrane channel like 1; plus strand). Cytogenetic location: 9q21.13.
Variant type: single nucleotide variant.
Coding change: c.543T>G on transcript NM_138691.3 (MANE Select); coding-DNA position 543, T replaced by G.
Protein change: p.Phe181Leu; replaces phenylalanine 181 with leucine.
Molecular consequence: missense variant.
Genome position (GRCh38, 1-based): chr9:72,751,857, T>G. VCF-style: chr9-72751857-T-G. GRCh37 (hg19) VCF-style: chr9-75366773-T-G.
Other names: short protein forms F181L.
Identifiers: ClinVar variation 666935 (VCV000666935.6), dbSNP rs989635871, ClinGen allele CA193283629.
Genomic context (GRCh38, chr9:72,751,857, plus strand): 5'-GTTTGTTTGTTTGCTTTGATCTCTCTTCAAACTTTTTATTTTCTTTGTAATAGGTCAGTT[T>G]GGCTCCTCAGTGGCCTCATACTTCCTCTTCTTGAGATGGATGTATGGAGTCAATATGGTT-3'
Protein context (NP_619636.2, residues 171-191): ENKIKAIESQ[Phe181Leu]GSSVASYFLF